The following is an entry in ClinVar:

NM_000497.4(CYP11B1):c.592G>C (p.Glu198Gln)

Genes: CYP11B1 (cytochrome P450 family 11 subfamily B member 1; minus strand), LOC106799833 (CYP11B1 recombination region; plus strand). Cytogenetic location: 8q24.3.
Variant type: single nucleotide variant.
Coding change: c.592G>C on transcript NM_000497.4 (MANE Select); coding-DNA position 592, G replaced by C.
Protein change: p.Glu198Gln; replaces glutamic acid 198 with glutamine.
Molecular consequence: missense variant.
Genome position (GRCh38, 1-based): chr8:142,877,026, C>G on the plus strand (G>C on the coding strand, the complement: CYP11B1 is on the minus strand). VCF-style: chr8-142877026-C-G. GRCh37 (hg19) VCF-style: chr8-143958442-C-G.
Other names: c.592G>C, p.Glu198Gln (NM_001026213.1); short protein forms E198Q.
Identifiers: ClinVar variation 4525909 (VCV004525909.1).

ClinVar aggregate classification (germline): Uncertain significance (1 of 4 stars; one submission).

Submission:

Women's Health and Genetics/Laboratory Corporation of America, LabCorp
Classification: Uncertain significance. Last evaluated: 2025-07-15. Review status: criteria provided, single submitter. Criteria: LabCorp Variant Classification Summary - May 2015. Collection method: clinical testing. Allele origin: germline.
Comment: Variant summary: CYP11B1 c.592G>C (p.Glu198Gln) results in a conservative amino acid change in the encoded protein sequence. Algorithms developed to predict the effect of missense changes on protein structure and function are either unavailable or do not agree on the potential impact of this missense change. The variant was absent in 249898 control chromosomes. The available data on variant occurrences in the general population are insufficient to allow any conclusion about variant significance. To our knowledge, no occurrence of c.592G>C in individuals affected with Congenital Adrenal Hyperplasia and no experimental evidence demonstrating its impact on protein function have been reported. No submitters have cited clinical-significance assessments for this variant to ClinVar. Based on the evidence outlined above, the variant was classified as uncertain significance.